The following is an entry in ClinVar:

ClinVar aggregate classification (germline): Pathogenic (1 of 4 stars; one submission).

Conditions:
Inborn genetic diseases. Identifiers: MedGen C0950123, MeSH D030342.

Submission:

Ambry Genetics
Classification: Pathogenic for Inborn genetic diseases. Last evaluated: 2025-09-11. Review status: criteria provided, single submitter. Criteria: Ambry Variant Classification Scheme 2023. Collection method: clinical testing. Allele origin: germline.
Comment: The c.639_646delGGATGCAG (p.E213Dfs*7) alteration, located in exon 10 (coding exon 5) of the MYT1L gene, consists of a deletion of 8 nucleotides from position 639 to 646, causing a translational frameshift with a predicted alternate stop codon after 7 amino acids. This alteration is expected to result in loss of function by premature protein truncation or nonsense-mediated mRNA decay. This variant was not reported in population-based cohorts in the Genome Aggregation Database (gnomAD). Based on the available evidence, this alteration is classified as pathogenic.

NM_001303052.2(MYT1L):c.639_646del (p.Glu213fs)

Gene: MYT1L (myelin transcription factor 1 like; minus strand). Cytogenetic location: 2p25.3.
Variant type: Deletion.
Coding change: c.639_646del on transcript NM_001303052.2 (MANE Select); coding-DNA positions 639 to 646, 8 bases deleted (GGATGCAG; older notation c.639_646delGGATGCAG).
Protein change: p.Glu213fs; shifts the reading frame from glutamic acid 213.
Molecular consequence: frameshift variant.
Genome position (GRCh38, 1-based): chr2:1,923,123-1,923,130, CTGCATCC deleted on the plus strand (GGATGCAG on the coding strand, the reverse complement: MYT1L is on the minus strand). VCF-style (leftmost placement, unchanged base first): chr2-1923122-GCTGCATCC-G. GRCh37 (hg19) VCF-style: chr2-1926894-GCTGCATCC-G.
Other names: c.639_646del, p.Glu213fs (NM_001329844.2, NM_001329845.1, NM_001329846.3 and 6 more transcripts); short protein forms E213fs.
Identifiers: ClinVar variation 4116256 (VCV004116256.1).
Genomic context (GRCh38, chr2:1,923,122, plus strand): 5'-TCGTCTTCCAGACTATTGGAGGTATTGCTGTTCATTTCTGACTCAGTCCTGGCCCGGTAG[GCTGCATCC>G]TCAGCGATTTTGCCGAGGTTTAACAATGACTTGGCCACCAGTTCATCGTAATTGTCATAT-3'